The following is an entry in ClinVar:

ClinVar aggregate classification (germline): Uncertain significance (1 of 4 stars; one submission).

Conditions:
Martsolf syndrome (MARTS). Also called: Congenital cataract with intellectual disability and hypogonadotropic hypogonadism syndrome. Identifiers: Orphanet 1387, MedGen C0796037, MONDO:0023910.
Warburg micro syndrome 2 (WARBM2). Also called: MICRO SYNDROME 2. Identifiers: Orphanet 2510, MedGen C3280214, MONDO:0013641, OMIM 614225.

Allele frequency attached by ClinVar (database versions not stated): gnomAD 0.00001; gnomAD exomes 0.00001; TOPMed 0.00001.
gnomAD v4.1: 11 of 1,613,826 alleles (0.00068%); highest among the groups gnomAD compares: Middle Eastern, 0.016%; no homozygotes.

Submission:

Labcorp Genetics (formerly Invitae), Labcorp
Classification: Uncertain significance for Martsolf syndrome; Warburg micro syndrome 2. Last evaluated: 2024-09-23. Review status: criteria provided, single submitter. Criteria: Invitae Variant Classification Sherloc (09022015). Collection method: clinical testing. Allele origin: germline.
Comment: This sequence change replaces glycine, which is neutral and non-polar, with serine, which is neutral and polar, at codon 406 of the RAB3GAP2 protein (p.Gly406Ser). This variant is present in population databases (no rsID available, gnomAD 0.005%). This variant has not been reported in the literature in individuals affected with RAB3GAP2-related conditions. ClinVar contains an entry for this variant (Variation ID: 2072529). Invitae Evidence Modeling of protein sequence and biophysical properties (such as structural, functional, and spatial information, amino acid conservation, physicochemical variation, residue mobility, and thermodynamic stability) indicates that this missense variant is expected to disrupt RAB3GAP2 protein function with a positive predictive value of 80%. In summary, the available evidence is currently insufficient to determine the role of this variant in disease. Therefore, it has been classified as a Variant of Uncertain Significance.

NM_012414.4(RAB3GAP2):c.1216G>A (p.Gly406Ser)

Gene: RAB3GAP2 (RAB3 GTPase activating non-catalytic protein subunit 2; minus strand). Cytogenetic location: 1q41.
Variant type: single nucleotide variant.
Coding change: c.1216G>A on transcript NM_012414.4 (MANE Select); coding-DNA position 1216, G replaced by A.
Protein change: p.Gly406Ser; replaces glycine 406 with serine.
Molecular consequence: missense variant.
Genome position (GRCh38, 1-based): chr1:220,193,294, C>T on the plus strand (G>A on the coding strand, the complement: RAB3GAP2 is on the minus strand). VCF-style: chr1-220193294-C-T. GRCh37 (hg19) VCF-style: chr1-220366636-C-T.
Other names: short protein forms G406S.
Identifiers: ClinVar variation 2072529 (VCV002072529.3), dbSNP rs775176634, ClinGen allele CA344645906.